The following is an entry in ClinVar:

NM_212482.4(FN1):c.3829G>C (p.Asp1277His)

Gene: FN1 (fibronectin 1; minus strand). Cytogenetic location: 2q35.
Variant type: single nucleotide variant.
Coding change: c.3829G>C on transcript NM_212482.4 (MANE Select); coding-DNA position 3829, G replaced by C.
Protein change: p.Asp1277His; replaces aspartic acid 1277 with histidine.
Molecular consequence: missense variant. On other transcripts: intron variant (10).
Genome position (GRCh38, 1-based): chr2:215,393,171, C>G on the plus strand (G>C on the coding strand, the complement: FN1 is on the minus strand). VCF-style: chr2-215393171-C-G. GRCh37 (hg19) VCF-style: chr2-216257894-C-G.
Other names: c.3829G>C, p.Asp1277His (NM_001306129.2, NM_001306130.2, NM_001365517.2 and 3 more transcripts); c.3796+1357G>C (NM_212474.3, NM_001306132.2, NM_001365523.2 and 7 more transcripts); short protein forms D1277H.
Identifiers: ClinVar variation 1961185 (VCV001961185.5), dbSNP rs1194778595, ClinGen allele CA350485424.

ClinVar aggregate classification (germline): Uncertain significance (1 of 4 stars; one submission).

Allele frequency attached by ClinVar (database versions not stated): TOPMed below 0.00001; gnomAD 0.00001.
gnomAD v4.1: 1 of 1,613,528 alleles (0.000062%); highest among the groups gnomAD compares: Non-Finnish European, 0.000085%; no homozygotes.

Submission:

Labcorp Genetics (formerly Invitae), Labcorp
Classification: Uncertain significance. Last evaluated: 2022-07-14. Review status: criteria provided, single submitter. Criteria: Invitae Variant Classification Sherloc (09022015). Collection method: clinical testing. Allele origin: germline.
Comment: In summary, the available evidence is currently insufficient to determine the role of this variant in disease. Therefore, it has been classified as a Variant of Uncertain Significance. Algorithms developed to predict the effect of missense changes on protein structure and function are either unavailable or do not agree on the potential impact of this missense change (SIFT: "Not Available"; PolyPhen-2: "Probably Damaging"; Align-GVGD: "Not Available"). This variant has not been reported in the literature in individuals affected with FN1-related conditions. This variant is not present in population databases (gnomAD no frequency). This sequence change replaces aspartic acid, which is acidic and polar, with histidine, which is basic and polar, at codon 1277 of the FN1 protein (p.Asp1277His).